The following is an entry in ClinVar:

NM_014141.6(CNTNAP2):c.1430A>T (p.Asp477Val)

Gene: CNTNAP2 (contactin associated protein 2; plus strand). Cytogenetic location: 7q35.
Variant type: single nucleotide variant.
Coding change: c.1430A>T on transcript NM_014141.6 (MANE Select); coding-DNA position 1430, A replaced by T.
Protein change: p.Asp477Val; replaces aspartic acid 477 with valine.
Molecular consequence: missense variant.
Genome position (GRCh38, 1-based): chr7:147,300,222, A>T. VCF-style: chr7-147300222-A-T. GRCh37 (hg19) VCF-style: chr7-146997314-A-T.
Other names: short protein forms D477V.
Identifiers: ClinVar variation 1036401 (VCV001036401.11), dbSNP rs1794918008, ClinGen allele CA369925210.
Genomic context (GRCh38, chr7:147,300,222, plus strand): 5'-AGTGGCACGAGGTTCGCTTCCTAGCCAAGGAAAATTTTGCTATTCTCACCATCGATGGAG[A>T]TGAAGCATCAGCAGTTCGAACTAATAGTCCCCTTCAAGTTAAAACTGGCGAGAAGTACTT-3'
Protein context (NP_054860.1, residues 467-487): ENFAILTIDG[Asp477Val]EASAVRTNSP

ClinVar aggregate classification (germline): Uncertain significance (1 of 4 stars; one submission).

Conditions:
Cortical dysplasia-focal epilepsy syndrome (PTHSL1). Also called: Pitt-Hopkins-like syndrome 1. Identifiers: Orphanet 163681, Orphanet 221150, MedGen C2750246, MONDO:0012400, OMIM 610042.

Submission:

Labcorp Genetics (formerly Invitae), Labcorp
Classification: Uncertain significance for Cortical dysplasia-focal epilepsy syndrome. Last evaluated: 2021-08-27. Review status: criteria provided, single submitter. Criteria: Invitae Variant Classification Sherloc (09022015). Collection method: clinical testing. Allele origin: germline.
Comment: In summary, the available evidence is currently insufficient to determine the role of this variant in disease. Therefore, it has been classified as a Variant of Uncertain Significance. Algorithms developed to predict the effect of missense changes on protein structure and function are either unavailable or do not agree on the potential impact of this missense change (SIFT: "Deleterious"; PolyPhen-2: "Possibly Damaging"; Align-GVGD: "Class C0"). This variant has not been reported in the literature in individuals with CNTNAP2-related conditions. This variant is not present in population databases (ExAC no frequency). This sequence change replaces aspartic acid with valine at codon 477 of the CNTNAP2 protein (p.Asp477Val). The aspartic acid residue is moderately conserved and there is a large physicochemical difference between aspartic acid and valine.